The following is an entry in ClinVar:

ClinVar aggregate classification (germline): Benign. Review status: criteria provided, multiple submitters, no conflicts (2 of 4 stars). 4 submissions from 4 submitters: Benign (3). 1 of the submissions does not count toward it. Last evaluated 2026-02-01.

Conditions:
ACBD5-related disorder. Also called: ACBD5-related condition.

Allele frequency attached by ClinVar (database versions not stated): ESP Exome Variant Server 0.00069; TOPMed 0.00113; gnomAD 0.00151 and 0.00169; 1000 Genomes Project 0.00160; gnomAD exomes 0.00189 and 0.00304; 1000 Genomes Project 30x 0.00219; ExAC 0.00338.
gnomAD v4.1: 3,077 of 1,614,042 alleles (0.19%); highest among the groups gnomAD compares: South Asian, 1.1%; 22 homozygotes.

Submissions (4):

CeGaT Center for Human Genetics Tuebingen
Classification: Benign. Last evaluated: 2026-02-01. Review status: criteria provided, single submitter. Criteria: CeGaT Center For Human Genetics Tuebingen Variant Classification Criteria Version 2. Collection method: clinical testing. Allele origin: germline. Affected: yes. Observed: 5 variant alleles.
Comment: ACBD5: BP4, BS1, BS2

Labcorp Genetics (formerly Invitae), Labcorp
Classification: Benign. Last evaluated: 2026-01-21. Review status: criteria provided, single submitter. Criteria: Invitae Variant Classification Sherloc (09022015). Collection method: clinical testing. Allele origin: germline.

Breakthrough Genomics
Classification: Benign. Review status: criteria provided, single submitter. Criteria: ACMG Guidelines, 2015. Collection method: not provided. Allele origin: germline. Inheritance: Autosomal recessive inheritance. Affected: yes.

PreventionGenetics, part of Exact Sciences
Classification: Benign for ACBD5-related condition. Last evaluated: 2019-02-22. Review status: no assertion criteria provided. Collection method: clinical testing. Allele origin: germline. Not counted in ClinVar's aggregate classification.
Comment: This variant is classified as benign based on ACMG/AMP sequence variant interpretation guidelines (Richards et al. 2015 PMID: 25741868, with internal and published modifications).

NM_145698.5(ACBD5):c.116C>T (p.Thr39Met)

Genes: ACBD5 (acyl-CoA binding domain containing 5; minus strand), LOC130003557 (ATAC-STARR-seq lymphoblastoid active region 3182; plus strand). Cytogenetic location: 10p12.1.
Variant type: single nucleotide variant.
Coding change: c.116C>T on transcript NM_145698.5 (MANE Select); coding-DNA position 116, C replaced by T.
Protein change: p.Thr39Met; replaces threonine 39 with methionine.
Molecular consequence: missense variant. On other transcripts: 5 prime UTR variant (7).
Genome position (GRCh38, 1-based): chr10:27,240,384, G>A on the plus strand (C>T on the coding strand, the complement: ACBD5 is on the minus strand). VCF-style: chr10-27240384-G-A. GRCh37 (hg19) VCF-style: chr10-27529313-G-A.
Other names: c.11C>T, p.Thr4Met (NM_001042473.4, NM_001352574.2, NM_001352575.2 and 6 more transcripts); c.110C>T, p.Thr37Met (NM_001271512.3, NM_001352571.1, NM_001352586.1 and 1 more transcripts); c.-91C>T (NM_001301251.2, NM_001301252.2, NM_001301253.2 and 4 more transcripts); c.137C>T, p.Thr46Met (NM_001352568.1, NM_001352572.1); c.116C>T, p.Thr39Met (NM_001352569.1, NM_001352570.1, NM_001352573.1 and 2 more transcripts); short protein forms T37M, T39M, T4M, T46M.
Identifiers: ClinVar variation 724042 (VCV000724042.37), dbSNP rs41282238, ClinGen allele CA5451033.